The following is an entry in ClinVar:

NM_002317.7(LOX):c.299C>T (p.Ala100Val)

Genes: LOX (lysyl oxidase; minus strand), SRFBP1 (serum response factor binding protein 1; plus strand). Cytogenetic location: 5q23.1.
Variant type: single nucleotide variant.
Coding change: c.299C>T on transcript NM_002317.7 (MANE Select); coding-DNA position 299, C replaced by T.
Protein change: p.Ala100Val; replaces alanine 100 with valine.
Molecular consequence: missense variant.
Genome position (GRCh38, 1-based): chr5:122,077,687, G>A on the plus strand (C>T on the coding strand, the complement: LOX is on the minus strand). VCF-style: chr5-122077687-G-A. GRCh37 (hg19) VCF-style: chr5-121413382-G-A.
Other names: short protein forms A100V.
Identifiers: ClinVar variation 3393798 (VCV003393798.1).

ClinVar aggregate classification (germline): Uncertain significance (1 of 4 stars; one submission).

gnomAD v4.1: 1 of 1,600,218 alleles (0.000062%); highest among the groups gnomAD compares: Non-Finnish European, 0.000085%; no homozygotes.

Submission:

GeneDx
Classification: Uncertain significance. Last evaluated: 2024-07-03. Review status: criteria provided, single submitter. Criteria: GeneDx Variant Classification Process June 2021. Collection method: clinical testing. Allele origin: germline. Affected: yes.
Comment: Not observed at significant frequency in large population cohorts (gnomAD); In silico analysis indicates that this missense variant does not alter protein structure/function; Has not been previously published as pathogenic or benign to our knowledge